The following is an entry in ClinVar:

NM_000254.3(MTR):c.3677A>G (p.Lys1226Arg)

Gene: MTR (5-methyltetrahydrofolate-homocysteine methyltransferase; plus strand). Cytogenetic location: 1q43.
Variant type: single nucleotide variant.
Coding change: c.3677A>G on transcript NM_000254.3 (MANE Select); coding-DNA position 3677, A replaced by G.
Protein change: p.Lys1226Arg; replaces lysine 1226 with arginine.
Molecular consequence: missense variant.
Genome position (GRCh38, 1-based): chr1:236,897,084, A>G. VCF-style: chr1-236897084-A-G. GRCh37 (hg19) VCF-style: chr1-237060384-A-G.
Other names: c.3524A>G, p.Lys1175Arg (NM_001291939.1); c.2456A>G, p.Lys819Arg (NM_001291940.2); c.3677A>G (NM_000254.2); short protein forms K1226R, K1175R, K819R.
Identifiers: ClinVar variation 1500678 (VCV001500678.5), dbSNP rs777562650, ClinGen allele CA1474764.
Genomic context (GRCh38, chr1:236,897,084, plus strand): 5'-CATTAGCAATGGCACCTGCTTCAGCAGTCTCAGGCCTCTACTTCTCCAATTTGAAGTCCA[A>G]ATATTTTGCTGTGGGGAAGATTTCCAAGGATCAGGTAAGCTAGCTGTTGCATTATATGTG-3'
Protein context (NP_000245.2, residues 1216-1236): SGLYFSNLKS[Lys1226Arg]YFAVGKISKD

ClinVar aggregate classification (germline): Uncertain significance. Review status: criteria provided, multiple submitters, no conflicts (2 of 4 stars). 2 submissions from 2 submitters: Uncertain significance (2). Last evaluated 2023-06-16.

Conditions:
Inborn genetic diseases. Identifiers: MedGen C0950123, MeSH D030342.
Methylcobalamin deficiency type cblG (HMAG). Also called: HOMOCYSTINURIA-MEGALOBLASTIC ANEMIA, cblG COMPLEMENTATION TYPE; HOMOCYSTINURIA-MEGALOBLASTIC ANEMIA, cblG TYPE; HOMOCYSTINURIA-MEGALOBLASTIC ANEMIA DUE TO DEFECT IN COBALAMIN METABOLISM, cblG COMPLEMENTATION TYPE; Functional methionine synthase deficiency type cblG. Identifiers: Orphanet 2170, Orphanet 622, MedGen C1855128, MONDO:0009609, OMIM 250940.

Allele frequency attached by ClinVar (database versions not stated): ExAC 0.00002.
gnomAD v4.1: 22 of 1,613,984 alleles (0.0014%); highest among the groups gnomAD compares: Middle Eastern, 0.016%; no homozygotes.

Submissions (2):

Ambry Genetics
Classification: Uncertain significance for Inborn genetic diseases. Last evaluated: 2023-06-16. Review status: criteria provided, single submitter. Criteria: Ambry Variant Classification Scheme 2023. Collection method: clinical testing. Allele origin: germline.

Labcorp Genetics (formerly Invitae), Labcorp
Classification: Uncertain significance for Methylcobalamin deficiency type cblG. Last evaluated: 2022-06-30. Review status: criteria provided, single submitter. Criteria: Invitae Variant Classification Sherloc (09022015). Collection method: clinical testing. Allele origin: germline.
Comment: This sequence change replaces lysine, which is basic and polar, with arginine, which is basic and polar, at codon 1226 of the MTR protein (p.Lys1226Arg). This variant is present in population databases (rs777562650, gnomAD 0.009%). This variant has not been reported in the literature in individuals affected with MTR-related conditions. Algorithms developed to predict the effect of missense changes on protein structure and function output the following: SIFT: "Tolerated"; PolyPhen-2: "Benign"; Align-GVGD: "Class C0". The arginine amino acid residue is found in multiple mammalian species, which suggests that this missense change does not adversely affect protein function. In summary, the available evidence is currently insufficient to determine the role of this variant in disease. Therefore, it has been classified as a Variant of Uncertain Significance.